The following is an entry in ClinVar:

ClinVar aggregate classification (germline): Uncertain significance (1 of 4 stars; one submission).

Conditions:
Fanconi anemia (FA). Also called: Fanconi's anemia. Identifiers: Orphanet 84, MedGen C0015625, MeSH D005199, MONDO:0019391.

Submission:

Labcorp Genetics (formerly Invitae), Labcorp
Classification: Uncertain significance for Fanconi anemia. Last evaluated: 2024-12-26. Review status: criteria provided, single submitter. Criteria: Invitae Variant Classification Sherloc (09022015). Collection method: clinical testing. Allele origin: germline.
Comment: This sequence change replaces valine, which is neutral and non-polar, with isoleucine, which is neutral and non-polar, at codon 552 of the FANCB protein (p.Val552Ile). This variant is not present in population databases (gnomAD no frequency). This variant has not been reported in the literature in individuals affected with FANCB-related conditions. Invitae Evidence Modeling of protein sequence and biophysical properties (such as structural, functional, and spatial information, amino acid conservation, physicochemical variation, residue mobility, and thermodynamic stability) indicates that this missense variant is not expected to disrupt FANCB protein function with a negative predictive value of 80%. In summary, the available evidence is currently insufficient to determine the role of this variant in disease. Therefore, it has been classified as a Variant of Uncertain Significance.

NM_001018113.3(FANCB):c.1654G>A (p.Val552Ile)

Gene: FANCB (FA complementation group B; minus strand). Cytogenetic location: Xp22.2.
Variant type: single nucleotide variant.
Coding change: c.1654G>A on transcript NM_001018113.3 (MANE Select); coding-DNA position 1654, G replaced by A.
Protein change: p.Val552Ile; replaces valine 552 with isoleucine.
Molecular consequence: missense variant.
Genome position (GRCh38, 1-based): chrX:14,845,129, C>T on the plus strand (G>A on the coding strand, the complement: FANCB is on the minus strand). VCF-style: chrX-14845129-C-T. GRCh37 (hg19) VCF-style: chrX-14863251-C-T.
Other names: c.1654G>A, p.Val552Ile (NM_152633.4, NM_001324162.2, NM_001410764.1); short protein forms V552I.
Identifiers: ClinVar variation 3613883 (VCV003613883.2).